The following is an entry in ClinVar:

NM_003482.4(KMT2D):c.13331G>A (p.Gly4444Glu)

Gene: KMT2D (lysine methyltransferase 2D; minus strand). Cytogenetic location: 12q13.12.
Variant type: single nucleotide variant.
Coding change: c.13331G>A on transcript NM_003482.4 (MANE Select); coding-DNA position 13331, G replaced by A.
Protein change: p.Gly4444Glu; replaces glycine 4444 with glutamic acid.
Molecular consequence: missense variant.
Genome position (GRCh38, 1-based): chr12:49,031,374, C>T on the plus strand (G>A on the coding strand, the complement: KMT2D is on the minus strand). VCF-style: chr12-49031374-C-T. GRCh37 (hg19) VCF-style: chr12-49425157-C-T.
Other names: short protein forms G4444E.
Identifiers: ClinVar variation 4980607 (VCV004980607.1).

ClinVar aggregate classification (germline): Uncertain significance (1 of 4 stars; one submission).

Conditions:
KMT2D-related disorder. Also called: KMT2D-Related Disorders.

Submission:

PreventionGenetics, part of Exact Sciences
Classification: Uncertain significance for KMT2D-related condition. Last evaluated: 2025-02-06. Review status: criteria provided, single submitter. Criteria: ACMG Guidelines, 2015. Collection method: clinical testing. Allele origin: germline.
Comment: The KMT2D c.13331G>A variant is predicted to result in the amino acid substitution p.Gly4444Glu. To our knowledge, this variant has not been reported in the literature. This variant is reported in 0.00089% of alleles in individuals of European (Non-Finnish) descent in gnomAD. At this time, the clinical significance of this variant is uncertain due to the absence of conclusive functional and genetic evidence.